The following is an entry in ClinVar:

ClinVar aggregate classification (germline): Benign. Review status: criteria provided, multiple submitters, no conflicts (2 of 4 stars). 2 submissions from 2 submitters: Benign (2). Last evaluated 2024-07-15.

Submissions (2):

Unidad de Genómica Garrahan, Hospital de Pediatría Garrahan
Classification: Benign. Last evaluated: 2024-07-15. Review status: criteria provided, single submitter. Criteria: ACMG Guidelines, 2015. Collection method: clinical testing. Allele origin: germline. Affected: no. Observed: 66 variant alleles.
Comment: This variant is classified as Benign based on local population frequency. This variant was detected in 71% of patients studied in a panel designed for Epileptic and Developmental Encephalopathy and Progressive Myoclonus Epilepsy. Number of patients: 66. Only high quality variants are reported.

GeneDx
Classification: Benign. Last evaluated: 2019-08-09. Review status: criteria provided, single submitter. Criteria: GeneDx Variant Classification Process June 2021. Collection method: clinical testing. Allele origin: germline. Affected: yes.

NM_025243.4(SLC19A3):c.-2-76del

Gene: SLC19A3 (solute carrier family 19 member 3; minus strand). Cytogenetic location: 2q36.3.
Variant type: Deletion.
Coding change: c.-2-76del on transcript NM_025243.4 (MANE Select); 76 bases into the intron before 2 bases upstream of the start codon, one base deleted (A; older notation c.-2-76delA).
Molecular consequence: intron variant.
Genome position (GRCh38, 1-based): chr2:227,702,396, T deleted on the plus strand (A on the coding strand, the reverse complement: SLC19A3 is on the minus strand); the first of 16 consecutive T bases (chr2:227,702,396-227,702,411); deleting any one gives the same sequence. VCF-style (leftmost placement, unchanged base first): chr2-227702395-AT-A. GRCh37 (hg19) VCF-style: chr2-228567111-AT-A.
Other names: c.-210-76del (NM_001371413.1, NM_001371414.1); c.-2-76del (NM_001371411.1, NM_001371412.1).
Identifiers: ClinVar variation 1231267 (VCV001231267.5), dbSNP rs71039629, ClinGen allele CA66662850.
Genomic context (GRCh38, chr2:227,702,395, plus strand): 5'-ACAAAGAGAAAATTAAGTGATGCTTATTCTTTTTAGCATCCTTGATGCGATGAAAACCTG[AT>A]TTTTTTTTTTTTTTTGAGATGGAGGGTCGCTCTGTTGTCCAGGCTGAAGTGCAGTGGCAT-3'